The following is an entry in ClinVar:

ClinVar aggregate classification (germline): Benign. Review status: reviewed by expert panel (3 of 4 stars). 10 submissions from 10 submitters: Benign (1). 9 of the submissions do not count toward it. Last evaluated 2015-01-12.

Conditions:
Hereditary cancer-predisposing syndrome. Also called: Neoplastic Syndromes, Hereditary; Tumor predisposition; Hereditary Cancer Syndrome; Hereditary neoplastic syndrome. Identifiers: Orphanet 140162, MedGen C0027672, MeSH D009386, MONDO:0015356.
Hereditary breast ovarian cancer syndrome. Also called: Hereditary breast and ovarian cancer syndrome; Hereditary breast and ovarian cancer; Hereditary breast and ovarian cancer syndrome (HBOC); Breast and ovarian cancer; Hereditary breast and/or ovarian cancer syndrome; BRCA1- and BRCA2-Associated Hereditary Breast and Ovarian Cancer. Identifiers: Orphanet 145, MedGen C0677776, MeSH D061325, MONDO:0003582. Disease mechanism: loss of function.
Breast-ovarian cancer, familial, susceptibility to, 1 (BROVCA1). Also called: OVARIAN CANCER, SUSCEPTIBILITY TO; BRCA1 Hereditary Breast and Ovarian Cancer. Identifiers: Orphanet 145, MedGen C2676676, MONDO:0011450, OMIM 604370. Disease mechanism: loss of function.

Allele frequency attached by ClinVar (database versions not stated): gnomAD 0.00510 and 0.00472; 1000 Genomes Project 0.00519; TOPMed 0.00520; 1000 Genomes Project 30x 0.00453.
gnomAD v4.1: 814 of 362,728 alleles (0.22%); highest among the groups gnomAD compares: African/African-American, 1.5%; 12 homozygotes.

Submissions (10):

Evidence-based Network for the Interpretation of Germline Mutant Alleles (ENIGMA)
Classification: Benign for Breast-ovarian cancer, familial 1. Last evaluated: 2015-01-12. Review status: reviewed by expert panel. Criteria: ENIGMA BRCA1/2 Classification Criteria (2015). Collection method: curation. Allele origin: germline.
Comment: Class 1 not pathogenic based on frequency >1% in an outbred sampleset. Frequency 0.02033 (African), derived from 1000 genomes (2012-04-30).

CeGaT Center for Human Genetics Tuebingen
Classification: Benign. Last evaluated: 2026-09-01. Review status: criteria provided, single submitter. Criteria: CeGaT Center For Human Genetics Tuebingen Variant Classification Criteria Version 2. Collection method: clinical testing. Allele origin: germline. Affected: yes. Observed: 7 variant alleles. Not counted in ClinVar's aggregate classification.
Comment: BRCA1: BS1, BS2

Labcorp Genetics (formerly Invitae), Labcorp
Classification: Benign for Hereditary breast ovarian cancer syndrome. Last evaluated: 2025-08-07. Review status: criteria provided, single submitter. Criteria: Invitae Variant Classification Sherloc (09022015). Collection method: clinical testing. Allele origin: germline. Not counted in ClinVar's aggregate classification.

Genetic Services Laboratory, University of Chicago
Classification: Benign. Last evaluated: 2021-02-15. Review status: criteria provided, single submitter. Criteria: ACMG Guidelines, 2015. Collection method: clinical testing. Allele origin: germline. Affected: no. Not counted in ClinVar's aggregate classification.

Sema4
Classification: Benign for Hereditary cancer-predisposing syndrome. Last evaluated: 2020-09-10. Review status: criteria provided, single submitter. Criteria: Sema4 Curation Guidelines. Collection method: curation. Allele origin: germline. Not counted in ClinVar's aggregate classification.

GeneDx
Classification: Likely benign. Last evaluated: 2018-06-26. Review status: criteria provided, single submitter. Criteria: GeneDx Variant Classification Process June 2021. Collection method: clinical testing. Allele origin: germline. Affected: yes. Not counted in ClinVar's aggregate classification.
Comment: This variant is associated with the following publications: (PMID: 30204945, 29236234)

Illumina Laboratory Services, Illumina
Classification: Likely benign for Breast-ovarian cancer, familial, susceptibility to, 1. Last evaluated: 2017-04-27. Review status: criteria provided, single submitter. Criteria: ICSL Variant Classification Criteria 13 December 2019. Collection method: clinical testing. Allele origin: germline. Not counted in ClinVar's aggregate classification.
Comment: This variant was observed as part of a predisposition screen in an ostensibly healthy population. A literature search was performed for the gene, cDNA change, and amino acid change (where applicable). No publications were found based on this search. Allele frequency data from public databases allowed determination this variant is unlikely to cause disease. Therefore, this variant is classified as likely benign.

Clinical Genetics Laboratory, Department of Pathology, Netherlands Cancer Institute
Classification: Benign. Review status: no assertion criteria provided. Collection method: clinical testing. Allele origin: germline. Affected: yes. Study: VKGL Data-share Consensus. Not counted in ClinVar's aggregate classification.

Department of Pathology and Laboratory Medicine, Sinai Health System
Classification: Benign. Review status: no assertion criteria provided. Collection method: clinical testing. Allele origin: unknown. Affected: yes. Observed: 2 variant alleles. Study: The Canadian Open Genetics Repository (COGR). Not counted in ClinVar's aggregate classification.
Comment: This variant is not expected to have clinical significance because it does not result in an amino acid change, occurs within non-coding exon 1 and was identified by the 1000 genomes project with a frequency of 0.005 (dbSNP ID: rs113323025).

Joint Genome Diagnostic Labs from Nijmegen and Maastricht, Radboudumc and MUMC+
Classification: Likely benign. Review status: no assertion criteria provided. Collection method: clinical testing. Allele origin: germline. Affected: yes. Study: VKGL Data-share Consensus. Not counted in ClinVar's aggregate classification.

NM_007294.4(BRCA1):c.-192T>C

Genes: BRCA1 (BRCA1 DNA repair associated; minus strand), LOC111589215 (BRCA1 promoter region; plus strand). Cytogenetic location: 17q21.31.
Variant type: single nucleotide variant.
Coding change: c.-192T>C on transcript NM_007294.4 (MANE Select); 192 bases upstream of the start codon, T replaced by C.
Genome position (GRCh38, 1-based): chr17:43,125,443, A>G on the plus strand (T>C on the coding strand, the complement: BRCA1 is on the minus strand). VCF-style: chr17-43125443-A-G. GRCh37 (hg19) VCF-style: chr17-41277460-A-G.
Other names: -73 T>C.
Identifiers: ClinVar variation 209579 (VCV000209579.48), dbSNP rs113323025, ClinGen allele CA276548.